The following is an entry in ClinVar:

NM_000535.7(PMS2):c.2175-2A>C

Gene: PMS2 (PMS1 homolog 2, mismatch repair system component; minus strand). Cytogenetic location: 7p22.1.
Variant type: single nucleotide variant.
Coding change: c.2175-2A>C on transcript NM_000535.7 (MANE Select); the canonical splice acceptor site of the intron before coding-DNA position 2175, A replaced by C.
Molecular consequence: splice acceptor variant. On other transcripts: intron variant (2).
Genome position (GRCh38, 1-based): chr7:5,978,698, T>G on the plus strand (A>C on the coding strand, the complement: PMS2 is on the minus strand). VCF-style: chr7-5978698-T-G. GRCh37 (hg19) VCF-style: chr7-6018329-T-G.
Other names: c.1857-2A>C (NM_001322007.2, NM_001406876.1, NM_001406883.1 and 1 more transcripts); c.1710-2A>C (NM_001406900.1); c.1602-2A>C (NM_001406909.1, NM_001322013.2, NM_001406908.1); c.1614-2A>C (NM_001406907.1, NM_001406906.1, NM_001322010.2); c.1770-2A>C (NM_001406892.1, NM_001406888.1, NM_001406890.1 and 14 more transcripts); c.1866-2A>C (NM_001406880.1, NM_001406878.1, NM_001406882.1 and 5 more transcripts); c.1809-2A>C (NM_001406886.1); c.1851-2A>C (NM_001406884.1); and 16 more.
Identifiers: ClinVar variation 4862115 (VCV004862115.1).

ClinVar aggregate classification (germline): Likely pathogenic (1 of 4 stars; one submission).

Conditions:
Hereditary cancer-predisposing syndrome. Also called: Neoplastic Syndromes, Hereditary; Tumor predisposition; Hereditary Cancer Syndrome; Hereditary neoplastic syndrome. Identifiers: Orphanet 140162, MedGen C0027672, MeSH D009386, MONDO:0015356.

Submission:

Ambry Genetics
Classification: Likely pathogenic for Hereditary cancer-predisposing syndrome. Last evaluated: 2026-04-27. Review status: criteria provided, single submitter. Criteria: Ambry Variant Classification Scheme 2023. Collection method: clinical testing. Allele origin: germline.
Comment: The c.2175-2A>C intronic variant results from an A to C substitution two nucleotides upstream from coding exon 13 in the PMS2 gene. This variant is considered to be rare based on population cohorts in the Genome Aggregation Database (gnomAD). This nucleotide position is highly conserved in available vertebrate species. In silico splice site analysis predicts that this alteration will weaken the native splice acceptor site and will result in the creation or strengthening of a novel splice acceptor site. Variants that disrupt the canonical splice site are expected to cause aberrant splicing, resulting in an abnormal protein or a transcript that is subject to nonsense-mediated mRNA decay. As such, this variant is classified as likely pathogenic.